The following is an entry in ClinVar:

ClinVar aggregate classification (germline): Conflicting classifications of pathogenicity. Review status: criteria provided, conflicting classifications (1 of 4 stars). 3 submissions from 3 submitters: Uncertain significance (1); Likely benign (2). Last evaluated 2025-11-04.

Conditions:
BBS2-related disorder. Also called: BBS2-related disorders; BBS2-related condition. Identifiers: MedGen CN239228.
Bardet-Biedl syndrome 2 (BBS2). Identifiers: Orphanet 110, MedGen C2936863, MONDO:0014432, OMIM 615981.
Bardet-Biedl syndrome (BBS). Identifiers: Orphanet 110, MedGen C0752166, MONDO:0015229.

Allele frequency attached by ClinVar (database versions not stated): gnomAD exomes below 0.00001; ExAC 0.00001; gnomAD 0.00001; TOPMed 0.00001.
gnomAD v4.1: 4 of 1,613,580 alleles (0.00025%); highest among the groups gnomAD compares: African/African-American, 0.004%; no homozygotes.

Submissions (3):

PreventionGenetics, part of Exact Sciences
Classification: Likely benign for BBS2-related condition. Last evaluated: 2025-11-04. Review status: criteria provided, single submitter. Criteria: ACMG Guidelines, 2015. Collection method: clinical testing. Allele origin: germline.
Comment: This variant is classified as likely benign based on ACMG/AMP sequence variant interpretation guidelines (Richards et al. 2015 PMID: 25741868, with internal and published modifications).

Labcorp Genetics (formerly Invitae), Labcorp
Classification: Likely benign for Bardet-Biedl syndrome. Last evaluated: 2023-04-12. Review status: criteria provided, single submitter. Criteria: Invitae Variant Classification Sherloc (09022015). Collection method: clinical testing. Allele origin: germline.

Illumina Laboratory Services, Illumina
Classification: Uncertain significance for Bardet-Biedl syndrome 2. Last evaluated: 2018-01-13. Review status: criteria provided, single submitter. Criteria: ICSL Variant Classification Criteria 13 December 2019. Collection method: clinical testing. Allele origin: germline.

NM_031885.5(BBS2):c.78G>A (p.Gly26=)

Gene: BBS2 (Bardet-Biedl syndrome 2; minus strand). Cytogenetic location: 16q13.
Variant type: single nucleotide variant.
Coding change: c.78G>A on transcript NM_031885.5 (MANE Select); coding-DNA position 78, G replaced by A.
Protein change: p.Gly26=; no amino-acid change (glycine 26 retained).
Molecular consequence: synonymous variant. On other transcripts: non-coding transcript variant (5).
Genome position (GRCh38, 1-based): chr16:56,519,785, C>T on the plus strand (G>A on the coding strand, the complement: BBS2 is on the minus strand). VCF-style: chr16-56519785-C-T. GRCh37 (hg19) VCF-style: chr16-56553697-C-T.
Other names: c.78G>A, p.Gly26= (NM_001377456.1).
Identifiers: ClinVar variation 319871 (VCV000319871.15), dbSNP rs759629466, ClinGen allele CA8066148.
Genomic context (GRCh38, chr16:56,519,785, plus strand): 5'-CCTGCGGGTGGGAGCGGTTACCTTGCCCGTTTGGGTGGCGGCCGCCAGGCACGGGTGAGT[C>T]CCGTCGTAGCGCCCTATGGCCACCATTCGGGGGCTGATTTTGTGGCGCAGTTTCAGGGTG-3'
Protein context (NP_114091.4, residues 16-36): PRMVAIGRYD[Gly26=]THPCLAAATQ